The following is an entry in ClinVar:

ClinVar aggregate classification (germline): Uncertain significance. Review status: criteria provided, multiple submitters, no conflicts (2 of 4 stars). 2 submissions from 2 submitters: Uncertain significance (2). Last evaluated 2023-12-06.

Conditions:
Agammaglobulinemia 7, autosomal recessive (AGM7). Also called: AGAMMAGLOBULINEMIA, AUTOSOMAL RECESSIVE, DUE TO PIK3R1 DEFECT. Identifiers: MedGen C3554689, MONDO:0014083, OMIM 615214.
SHORT syndrome. Also called: SHORT STATURE, HYPEREXTENSIBILITY, HERNIA, OCULAR DEPRESSION, RIEGER ANOMALY, AND TEETHING DELAY; LIPODYSTROPHY, PARTIAL, WITH RIEGER ANOMALY AND SHORT STATURE; PIK3R1-Related SHORT Syndrome. Identifiers: Orphanet 3163, MedGen C0878684, MONDO:0010026, OMIM 269880.
Immunodeficiency 36 with lymphoproliferation. Also called: Activated PI3K Delta Syndrome Type 2 (APDS2); ACTIVATED PI3K-DELTA SYNDROME 2; Immunodeficiency 36. Identifiers: Orphanet 397596, Orphanet 693681, MedGen C4014934, MONDO:0014453, OMIM 616005.

Allele frequency attached by ClinVar (database versions not stated): gnomAD exomes below 0.00001.
gnomAD v4.1: 1 of 1,604,872 alleles (0.000062%); highest among the groups gnomAD compares: Admixed American, 0.0017%; no homozygotes.

Submissions (2):

Labcorp Genetics (formerly Invitae), Labcorp
Classification: Uncertain significance for SHORT syndrome; Immunodeficiency 36 with lymphoproliferation; Agammaglobulinemia 7, autosomal recessive. Last evaluated: 2023-12-06. Review status: criteria provided, single submitter. Criteria: Invitae Variant Classification Sherloc (09022015). Collection method: clinical testing. Allele origin: germline.
Comment: This sequence change replaces lysine, which is basic and polar, with arginine, which is basic and polar, at codon 519 of the PIK3R1 protein (p.Lys519Arg). This variant is present in population databases (no rsID available, gnomAD 0.003%). This variant has not been reported in the literature in individuals affected with PIK3R1-related conditions. ClinVar contains an entry for this variant (Variation ID: 430250). Advanced modeling of protein sequence and biophysical properties (such as structural, functional, and spatial information, amino acid conservation, physicochemical variation, residue mobility, and thermodynamic stability) performed at Invitae indicates that this missense variant is not expected to disrupt PIK3R1 protein function with a negative predictive value of 80%. In summary, the available evidence is currently insufficient to determine the role of this variant in disease. Therefore, it has been classified as a Variant of Uncertain Significance.

GeneDx
Classification: Uncertain significance. Last evaluated: 2017-05-12. Review status: criteria provided, single submitter. Criteria: GeneDx Variant Classification (06012015). Collection method: clinical testing. Allele origin: germline. Affected: yes.
Comment: A variant of uncertain significance has been identified in the PIK3R1 gene. The K519R variant has not been published as a pathogenic variant, nor has it been reported as a benign variant to our knowledge. The K519R variant is not observed in large population cohorts (Lek et al., 2016; 1000 Genomes Consortium et al., 2015; Exome Variant Server). The K519R variant is a conservative amino acid substitution, which is not likely to impact secondary protein structure as these residues share similar properties. This substitution occurs at a position that is not conserved. In silico analysis is inconsistent in its predictions as to whether or not the variant is damaging to the protein structure/function. Based on the currently available information, it is unclear whether this variant is a pathogenic variant or a rare benign variant.

NM_181523.3(PIK3R1):c.1556A>G (p.Lys519Arg)

Gene: PIK3R1 (phosphoinositide-3-kinase regulatory subunit 1; plus strand). Cytogenetic location: 5q13.1.
Variant type: single nucleotide variant.
Coding change: c.1556A>G on transcript NM_181523.3 (MANE Select); coding-DNA position 1556, A replaced by G.
Protein change: p.Lys519Arg; replaces lysine 519 with arginine.
Molecular consequence: missense variant.
Genome position (GRCh38, 1-based): chr5:68,294,666, A>G. VCF-style: chr5-68294666-A-G. GRCh37 (hg19) VCF-style: chr5-67590494-A-G.
Other names: c.467A>G, p.Lys156Arg (NM_001242466.2); c.746A>G, p.Lys249Arg (NM_181504.4); c.656A>G, p.Lys219Arg (NM_181524.2); short protein forms K519R, K219R, K156R, K249R.
Identifiers: ClinVar variation 430250 (VCV000430250.5), dbSNP rs1131691859, ClinGen allele CA359882178.